The following is an entry in ClinVar:

ClinVar aggregate classification (germline): Benign/Likely benign. Review status: criteria provided, multiple submitters, no conflicts (2 of 4 stars). 8 submissions from 8 submitters: Benign (4); Likely benign (2). 2 of the submissions do not count toward it. Last evaluated 2026-01-05.

Conditions:
Cardiovascular phenotype. Identifiers: MedGen CN230736.
ANKRD1-related dilated cardiomyopathy. Identifiers: MedGen CN119551.
Primary dilated cardiomyopathy (DCM). Also called: Dilated Cardiomyopathy. Identifiers: Orphanet 217604, MedGen C0007193, MeSH D002311, MONDO:0005021, HP:0001644. Inheritance: Various modes of inheritance.

Allele frequency attached by ClinVar (database versions not stated): TOPMed 0.00009; 1000 Genomes Project 30x 0.00234; 1000 Genomes Project 0.00240.

Submissions (8):

Labcorp Genetics (formerly Invitae), Labcorp
Classification: Benign for ANKRD1-related dilated cardiomyopathy. Last evaluated: 2026-01-05. Review status: criteria provided, single submitter. Criteria: Invitae Variant Classification Sherloc (09022015). Collection method: clinical testing. Allele origin: germline.

Ambry Genetics
Classification: Benign for Cardiovascular phenotype. Last evaluated: 2019-03-18. Review status: criteria provided, single submitter. Criteria: Ambry Variant Classification Scheme 2023. Collection method: clinical testing. Allele origin: germline.

Laboratory for Molecular Medicine, Mass General Brigham Personalized Medicine
Classification: Benign. Last evaluated: 2019-01-22. Review status: criteria provided, single submitter. Criteria: LMM Criteria. Collection method: clinical testing. Allele origin: germline. Observed: 5 variant alleles.
Comment: The p.arg66Gly variant in ANKRD1 is classified as benign because it has been identified in 0.1% (307/30616) of South Asian chromosomes and 5 homozygotes by gnomAD. ACMG/AMP Criteria applied: BA1.

Illumina Laboratory Services, Illumina
Classification: Likely benign for Primary dilated cardiomyopathy. Last evaluated: 2018-03-06. Review status: criteria provided, single submitter. Criteria: ICSL Variant Classification Criteria 13 December 2019. Collection method: clinical testing. Allele origin: germline.
Comment: This variant was observed in the ICSL laboratory as part of a predisposition screen in an ostensibly healthy population. It had not been previously curated by ICSL or reported in the Human Gene Mutation Database (HGMD: prior to June 1st, 2018), and was therefore a candidate for classification through an automated scoring system. Utilizing variant allele frequency, disease prevalence and penetrance estimates, and inheritance mode, an automated score was calculated to assess if this variant is too frequent to cause the disease. Based on the score and internal cut-off values, a variant classified as likely benign is not then subjected to further curation. The score for this variant resulted in a classification of likely benign for this disease.

Women's Health and Genetics/Laboratory Corporation of America, LabCorp
Classification: Likely benign. Last evaluated: 2017-08-01. Review status: criteria provided, single submitter. Criteria: LabCorp Variant Classification Summary - May 2015. Collection method: clinical testing. Allele origin: germline.
Comment: Variant summary: The ANKRD1 c.196C>G (p.Arg66Gly) variant involves the alteration of a non-conserved nucleotide. 3/4 in silico tools predict a damaging outcome for this variant (SNPsandGO not captured due to low reliability index). This variant was found in 173/121398 control chromosomes (3 homozygotes) from ExAC, predominantly observed in the South Asian subpopulation at a frequency of 0.010296 (170/16512). This frequency is about 300 times the estimated maximal expected allele frequency of a pathogenic ANKRD1 variant (0.0000344), suggesting this is likely a benign polymorphism found primarily in the populations of South Asian origin. One clinical diagnostic laboratory has recently classified as benign. The variant of interest has not, to our knowledge, been reported in affected individuals via publications. It has not been found in cohorts of HCM and DCM patients tested at OMGL and LMM centers (Cardio db). Taken together, this variant is currently classified as likely benign.

GeneDx
Classification: Benign. Last evaluated: 2016-03-25. Review status: criteria provided, single submitter. Criteria: GeneDx Variant Classification (06012015). Collection method: clinical testing. Allele origin: germline. Affected: yes.
Comment: This variant is considered likely benign or benign based on one or more of the following criteria: it is a conservative change, it occurs at a poorly conserved position in the protein, it is predicted to be benign by multiple in silico algorithms, and/or has population frequency not consistent with disease.

Clinical Genetics DNA and cytogenetics Diagnostics Lab, Erasmus MC, Erasmus Medical Center
Classification: Benign. Review status: no assertion criteria provided. Collection method: clinical testing. Allele origin: germline. Affected: yes. Study: VKGL Data-share Consensus. Not counted in ClinVar's aggregate classification.

Clinical Genetics, Academic Medical Center
Classification: Benign. Review status: no assertion criteria provided. Collection method: clinical testing. Allele origin: germline. Affected: yes. Study: VKGL Data-share Consensus. Not counted in ClinVar's aggregate classification.

Literature cited by the submitters: PubMed 19525294 (cited by Laboratory for Molecular Medicine, Mass General Brigham Personalized Medicine).

NM_014391.3(ANKRD1):c.196C>G (p.Arg66Gly)

Gene: ANKRD1 (ankyrin repeat domain 1; minus strand). Cytogenetic location: 10q23.31.
Variant type: single nucleotide variant.
Coding change: c.196C>G on transcript NM_014391.3 (MANE Select); coding-DNA position 196, C replaced by G.
Protein change: p.Arg66Gly; replaces arginine 66 with glycine.
Molecular consequence: missense variant.
Genome position (GRCh38, 1-based): chr10:90,920,180, G>C on the plus strand (C>G on the coding strand, the complement: ANKRD1 is on the minus strand). VCF-style: chr10-90920180-G-C. GRCh37 (hg19) VCF-style: chr10-92679937-G-C.
Other names: short protein forms R66G.
Identifiers: ClinVar variation 45627 (VCV000045627.26), dbSNP rs397517249, ClinGen allele CA136826.